The following is an entry in ClinVar:

ClinVar aggregate classification (germline): Uncertain significance. Review status: criteria provided, multiple submitters, no conflicts (2 of 4 stars). 2 submissions from 2 submitters: Uncertain significance (2). Last evaluated 2024-09-08.

Conditions:
Neuropathy, hereditary sensory and autonomic, type 2A (HSAN2A). Also called: ACROOSTEOLYSIS, GIACCAI TYPE; ACROOSTEOLYSIS, NEUROGENIC; HSAN IIA; WNK1-Related HSAN2 (HSAN2A); MORVAN DISEASE; NEUROPATHY, CONGENITAL SENSORY. Identifiers: Orphanet 970, MedGen C2752089, MONDO:0024309, OMIM 201300.
Generalized epilepsy with febrile seizures plus, type 7 (GEFSP7). Also called: GEFS+, TYPE 7. Identifiers: Orphanet 36387, MedGen C2751778, MONDO:0013470, OMIM 613863.

Allele frequency attached by ClinVar (database versions not stated): TOPMed 0.00001.
gnomAD v4.1: 8 of 1,577,298 alleles (0.00051%); highest among the groups gnomAD compares: Middle Eastern, 0.017%; no homozygotes.

Submissions (2):

Labcorp Genetics (formerly Invitae), Labcorp
Classification: Uncertain significance for Neuropathy, hereditary sensory and autonomic, type 2A; Generalized epilepsy with febrile seizures plus, type 7. Last evaluated: 2024-09-08. Review status: criteria provided, single submitter. Criteria: Invitae Variant Classification Sherloc (09022015). Collection method: clinical testing. Allele origin: germline.
Comment: This sequence change replaces asparagine, which is neutral and polar, with lysine, which is basic and polar, at codon 763 of the SCN9A protein (p.Asn763Lys). This variant is not present in population databases (gnomAD no frequency). This variant has not been reported in the literature in individuals affected with SCN9A-related conditions. ClinVar contains an entry for this variant (Variation ID: 1163422). Invitae Evidence Modeling of protein sequence and biophysical properties (such as structural, functional, and spatial information, amino acid conservation, physicochemical variation, residue mobility, and thermodynamic stability) indicates that this missense variant is not expected to disrupt SCN9A protein function with a negative predictive value of 95%. In summary, the available evidence is currently insufficient to determine the role of this variant in disease. Therefore, it has been classified as a Variant of Uncertain Significance.

Mayo Clinic Laboratories, Mayo Clinic
Classification: Uncertain significance. Last evaluated: 2019-05-20. Review status: criteria provided, single submitter. Criteria: ACMG Guidelines, 2015. Collection method: clinical testing. Allele origin: germline. Observed: 1 variant allele.

NM_001365536.1(SCN9A):c.2322T>A (p.Asn774Lys)

Genes: SCN1A-AS1 (SCN1A and SCN9A antisense RNA 1; plus strand), SCN9A (sodium voltage-gated channel alpha subunit 9; minus strand). Cytogenetic location: 2q24.3.
Variant type: single nucleotide variant.
Coding change: c.2322T>A on transcript NM_001365536.1 (MANE Select); coding-DNA position 2322, T replaced by A.
Protein change: p.Asn774Lys; replaces asparagine 774 with lysine.
Molecular consequence: missense variant.
Genome position (GRCh38, 1-based): chr2:166,280,378, A>T on the plus strand (T>A on the coding strand, the complement: SCN9A is on the minus strand). VCF-style: chr2-166280378-A-T. GRCh37 (hg19) VCF-style: chr2-167136888-A-T.
Other names: c.2289T>A, p.Asn763Lys (NM_002977.4); short protein forms N763K, N774K.
Identifiers: ClinVar variation 1163422 (VCV001163422.8), dbSNP rs1263970900, ClinGen allele CA349079398.